The following is an entry in ClinVar:

NM_022841.7(RFX7):c.982T>C (p.Ser328Pro)

Gene: RFX7 (regulatory factor X7; minus strand). Cytogenetic location: 15q21.3.
Variant type: single nucleotide variant.
Coding change: c.982T>C on transcript NM_022841.7 (MANE Select); coding-DNA position 982, T replaced by C.
Protein change: p.Ser328Pro; replaces serine 328 with proline.
Molecular consequence: missense variant.
Genome position (GRCh38, 1-based): chr15:56,098,206, A>G on the plus strand (T>C on the coding strand, the complement: RFX7 is on the minus strand). VCF-style: chr15-56098206-A-G. GRCh37 (hg19) VCF-style: chr15-56390404-A-G.
Other names: c.691T>C, p.Ser231Pro (NM_001368073.2, NM_001368074.1, NM_001370554.1); c.982T>C, p.Ser328Pro (NM_001370561.1); short protein forms S231P, S328P.
Identifiers: ClinVar variation 4883081 (VCV004883081.2).

ClinVar aggregate classification (germline): Uncertain significance (1 of 4 stars; one submission).

gnomAD v4.1: 88 of 1,613,806 alleles (0.0055%); highest among the groups gnomAD compares: Non-Finnish European, 0.0071%; no homozygotes.

Submission:

Dasa
Classification: Uncertain significance. Last evaluated: 2026-02-19. Review status: criteria provided, single submitter. Criteria: DASA Assertion Criteria. Collection method: clinical testing. Allele origin: germline.
Comment: NM_022841.7(RFX7):c.982T>C (p.Ser328Pro) is a missense variant that results in the substitution of serine with proline. This variant is rare in population databases. Computational prediction algorithms are consistent with a benign effect. The currently available literature and clinical evidence are not sufficient to establish a definitive association between this variant and the reported condition. Therefore, this variant is classified as a variant of uncertain significance.